The following is an entry in ClinVar:

ClinVar aggregate classification (germline): Uncertain significance (1 of 4 stars; one submission).

Conditions:
MHC class II deficiency. Also called: Bare lymphocyte syndrome 2; BLS, TYPE II. Identifiers: Orphanet 572, MedGen C5447452, MONDO:0008855.

Allele frequency attached by ClinVar (database versions not stated): gnomAD 0.00001; gnomAD exomes 0.00001; 1000 Genomes Project 30x 0.00016; 1000 Genomes Project 0.00020.

Submission:

Labcorp Genetics (formerly Invitae), Labcorp
Classification: Uncertain significance for MHC class II deficiency. Last evaluated: 2022-02-24. Review status: criteria provided, single submitter. Criteria: Invitae Variant Classification Sherloc (09022015). Collection method: clinical testing. Allele origin: germline.
Comment: In summary, the available evidence is currently insufficient to determine the role of this variant in disease. Therefore, it has been classified as a Variant of Uncertain Significance. Algorithms developed to predict the effect of missense changes on protein structure and function are either unavailable or do not agree on the potential impact of this missense change (SIFT: "Deleterious"; PolyPhen-2: "Probably Damaging"; Align-GVGD: "Class C0"). ClinVar contains an entry for this variant (Variation ID: 933258). This variant has not been reported in the literature in individuals affected with RFX5-related conditions. This variant is present in population databases (rs200857099, gnomAD 0.006%). This sequence change replaces arginine, which is basic and polar, with tryptophan, which is neutral and slightly polar, at codon 335 of the RFX5 protein (p.Arg335Trp).

NM_001025603.2(RFX5):c.1003C>T (p.Arg335Trp)

Gene: RFX5 (regulatory factor X5; minus strand). Cytogenetic location: 1q21.3.
Variant type: single nucleotide variant.
Coding change: c.1003C>T on transcript NM_001025603.2 (MANE Select); coding-DNA position 1003, C replaced by T.
Protein change: p.Arg335Trp; replaces arginine 335 with tryptophan.
Molecular consequence: missense variant.
Genome position (GRCh38, 1-based): chr1:151,343,034, G>A on the plus strand (C>T on the coding strand, the complement: RFX5 is on the minus strand). VCF-style: chr1-151343034-G-A. GRCh37 (hg19) VCF-style: chr1-151315510-G-A.
Other names: c.1003C>T, p.Arg335Trp (NM_000449.4, NM_001379412.1, NM_001379413.1 and 5 more transcripts); c.883C>T, p.Arg295Trp (NM_001379419.1, NM_001379420.1); short protein forms R295W, R335W.
Identifiers: ClinVar variation 933258 (VCV000933258.6), dbSNP rs200857099, ClinGen allele CA29558651.